The following is an entry in ClinVar:

NM_017780.4(CHD7):c.1423A>T (p.Met475Leu)

Gene: CHD7 (chromodomain helicase DNA binding protein 7; plus strand). Cytogenetic location: 8q12.2.
Variant type: single nucleotide variant.
Coding change: c.1423A>T on transcript NM_017780.4 (MANE Select); coding-DNA position 1423, A replaced by T.
Protein change: p.Met475Leu; replaces methionine 475 with leucine.
Molecular consequence: missense variant.
Genome position (GRCh38, 1-based): chr8:60,742,855, A>T. VCF-style: chr8-60742855-A-T. GRCh37 (hg19) VCF-style: chr8-61655414-A-T.
Other names: c.1423A>T, p.Met475Leu (NM_001316690.1); short protein forms M475L.
Identifiers: ClinVar variation 363446 (VCV000363446.15), dbSNP rs773039925, ClinGen allele CA10631399.

ClinVar aggregate classification (germline): Conflicting classifications of pathogenicity. Review status: criteria provided, conflicting classifications (1 of 4 stars). 3 submissions from 3 submitters: Uncertain significance (2); Likely benign (1). Last evaluated 2025-04-11.

Conditions:
CHARGE syndrome (CHARGE). Also called: CHARGE ASSOCIATION--COLOBOMA, HEART ANOMALY, CHOANAL ATRESIA, RETARDATION, GENITAL AND EAR ANOMALIES; Coloboma, heart anomaly, choanal atresia, retardation, genital and ear anomalies; CHARGE association; Hall-Hittner syndrome; Hittner Hirsch Kreh syndrome. Identifiers: Orphanet 138, MedGen C0265354, MONDO:0008965.
Hypogonadotropic hypogonadism 5 with or without anosmia (KAL5). Also called: HYPOGONADOTROPIC HYPOGONADISM 5 WITH ANOSMIA; HYPOGONADOTROPHIC HYPOGONADISM 5 WITHOUT ANOSMIA; CHD7-Related GnRH Deficiency (Kallmann Syndrome 5). Identifiers: Orphanet 478, MedGen C3552553, MONDO:0012880, OMIM 612370. Disease mechanism: loss of function.

Allele frequency attached by ClinVar (database versions not stated): TOPMed 0.00002.
gnomAD v4.1: 11 of 1,612,684 alleles (0.00068%); highest among the groups gnomAD compares: Non-Finnish European, 0.00093%; no homozygotes.

Submissions (3):

GeneDx
Classification: Uncertain significance. Last evaluated: 2025-04-11. Review status: criteria provided, single submitter. Criteria: GeneDx Variant Classification Process June 2021. Collection method: clinical testing. Allele origin: germline. Affected: yes.
Comment: Not observed at significant frequency in large population cohorts (gnomAD); In silico analysis indicates that this missense variant does not alter protein structure/function; Has not been previously published as pathogenic or benign to our knowledge

Labcorp Genetics (formerly Invitae), Labcorp
Classification: Likely benign for CHARGE syndrome. Last evaluated: 2025-04-01. Review status: criteria provided, single submitter. Criteria: Invitae Variant Classification Sherloc (09022015). Collection method: clinical testing. Allele origin: germline.

Illumina Laboratory Services, Illumina
Classification: Uncertain significance for Kallmann Syndrome 5. Last evaluated: 2018-01-13. Review status: criteria provided, single submitter. Criteria: ICSL Variant Classification Criteria 13 December 2019. Collection method: clinical testing. Allele origin: germline.